The following is an entry in ClinVar:

ClinVar aggregate classification (germline): Likely benign. Review status: criteria provided, multiple submitters, no conflicts (2 of 4 stars). 5 submissions from 5 submitters: Likely benign (4). 1 of the submissions does not count toward it. Last evaluated 2025-10-05.

Conditions:
Dilated cardiomyopathy 1G (CMD1G). Identifiers: Orphanet 154, MedGen C1858763, MONDO:0011400, OMIM 604145.
Autosomal recessive limb-girdle muscular dystrophy type 2J (LGMDR10). Also called: Limb-girdle muscular dystrophy, type 2J; MUSCULAR DYSTROPHY, LIMB-GIRDLE, AUTOSOMAL RECESSIVE 10. Identifiers: Orphanet 140922, MedGen C1837342, MONDO:0012127, OMIM 608807.
TTN-related disorder. Also called: TTN-related disorders; TTN-related condition; TTN-related disease.

Allele frequency attached by ClinVar (database versions not stated): gnomAD below 0.00001 and 0.00001; TOPMed below 0.00001; ExAC 0.00005; gnomAD exomes 0.00006; 1000 Genomes Project 30x 0.00016; 1000 Genomes Project 0.00020.
gnomAD v4.1: 36 of 1,613,716 alleles (0.0022%); highest among the groups gnomAD compares: South Asian, 0.025%; no homozygotes.

Submissions (5):

Labcorp Genetics (formerly Invitae), Labcorp
Classification: Likely benign for Dilated cardiomyopathy 1G; Autosomal recessive limb-girdle muscular dystrophy type 2J. Last evaluated: 2025-10-05. Review status: criteria provided, single submitter. Criteria: Invitae Variant Classification Sherloc (09022015). Collection method: clinical testing. Allele origin: germline.

CeGaT Center for Human Genetics Tuebingen
Classification: Likely benign. Last evaluated: 2023-12-01. Review status: criteria provided, single submitter. Criteria: CeGaT Center For Human Genetics Tuebingen Variant Classification Criteria Version 2. Collection method: clinical testing. Allele origin: germline. Affected: yes. Observed: 1 variant allele.
Comment: TTN: BP4, BP7

Blueprint Genetics
Classification: Likely benign. Last evaluated: 2023-08-25. Review status: criteria provided, single submitter. Criteria: ACMG Guidelines, 2015. Collection method: clinical testing. Allele origin: germline.

GeneDx
Classification: Likely benign. Last evaluated: 2020-07-06. Review status: criteria provided, single submitter. Criteria: GeneDx Variant Classification Process June 2021. Collection method: clinical testing. Allele origin: germline. Affected: yes.

PreventionGenetics, part of Exact Sciences
Classification: Likely benign for TTN-related condition. Last evaluated: 2019-11-16. Review status: no assertion criteria provided. Collection method: clinical testing. Allele origin: germline. Not counted in ClinVar's aggregate classification.
Comment: This variant is classified as likely benign based on ACMG/AMP sequence variant interpretation guidelines (Richards et al. 2015 PMID: 25741868, with internal and published modifications).

NM_001267550.2(TTN):c.105783G>A (p.Pro35261=)

Genes: TTN (titin; minus strand), TTN-AS1 (TTN antisense RNA 1; plus strand), LOC129935183 (ATAC-STARR-seq lymphoblastoid active region 16808; plus strand). Cytogenetic location: 2q31.2.
Variant type: single nucleotide variant.
Coding change: c.105783G>A on transcript NM_001267550.2 (MANE Select); coding-DNA position 105783, G replaced by A.
Protein change: p.Pro35261=; no amino-acid change (proline 35261 retained).
Molecular consequence: synonymous variant.
Genome position (GRCh38, 1-based): chr2:178,530,832, C>T on the plus strand (G>A on the coding strand, the complement: TTN is on the minus strand). VCF-style: chr2-178530832-C-T. GRCh37 (hg19) VCF-style: chr2-179395559-C-T.
Other names: c.100860G>A, p.Pro33620= (NM_001256850.1); c.78588G>A, p.Pro26196= (NM_003319.4); c.98079G>A, p.Pro32693= (NM_133378.4); c.78963G>A, p.Pro26321= (NM_133432.3); c.79164G>A, p.Pro26388= (NM_133437.4).
Identifiers: ClinVar variation 720525 (VCV000720525.35), dbSNP rs556765365, ClinGen allele CA1985213.
Genomic context (GRCh38, chr2:178,530,832, plus strand): 5'-TGGGAGGTGCTGAACTTTCTCTGTTGGTGTTGGTTTTGTCTCTGTGGGTGATACGGCTTT[C>T]GGGTGAGAAGGTTCTGGAGATTTCACTCGTTTTGGAGACTTAACTGCTTCTGGGGATTTC-3'
Protein context (NP_001254479.2, residues 35251-35271): KRVKSPEPSH[Pro35261=]KAVSPTETKP